The following is an entry in ClinVar:

ClinVar aggregate classification (germline): Uncertain significance (1 of 4 stars; one submission).

Conditions:
Cardiomyopathy (CMYO). Also called: Cardiomyopathies. Identifiers: Orphanet 167848, MedGen C0878544, MONDO:0004994, HP:0001638. Inheritance: Various modes of inheritance.

Submission:

Color Diagnostics, LLC DBA Color Health
Classification: Uncertain significance for Cardiomyopathy. Last evaluated: 2022-11-01. Review status: criteria provided, single submitter. Criteria: ACMG Guidelines, 2015. Collection method: clinical testing. Allele origin: germline.
Comment: This variant deletes 1 nucleotide in exon 37 of the RYR2 gene, creating a frameshift and premature translation stop signal. This variant is expected to result in an absent or non-functional protein product. To our knowledge, this variant has not been reported in individuals affected with cardiovascular disorders in the literature. This variant has not been identified in the general population by the Genome Aggregation Database (gnomAD). The role of loss-of-function RYR2 truncation and splice variants in autosomal dominant cardiovascular disorders is not clearly established. The available evidence is insufficient to determine the role of this variant in disease conclusively. Therefore, this variant is classified as a Variant of Uncertain Significance.

NM_001035.3(RYR2):c.4949del (p.Leu1650fs)

Gene: RYR2 (ryanodine receptor 2; plus strand). Cytogenetic location: 1q43.
Variant type: Deletion.
Coding change: c.4949del on transcript NM_001035.3 (MANE Select); coding-DNA position 4949, one base deleted (T; older notation c.4949delT).
Protein change: p.Leu1650fs; shifts the reading frame from leucine 1650.
Molecular consequence: frameshift variant.
Genome position (GRCh38, 1-based): chr1:237,614,077, T deleted; the last of 2 consecutive T bases (chr1:237,614,076-237,614,077); deleting either gives the same sequence. VCF-style (leftmost placement, unchanged base first): chr1-237614075-AT-A. GRCh37 (hg19) VCF-style: chr1-237777375-AT-A.
Other names: short protein forms L1650fs.
Identifiers: ClinVar variation 2774304 (VCV002774304.2), dbSNP rs2546789959, ClinGen allele CA2697547777.